The following is an entry in ClinVar:

NM_174916.3(UBR1):c.1188T>A (p.Tyr396Ter)

Gene: UBR1 (ubiquitin protein ligase E3 component n-recognin 1; minus strand). Cytogenetic location: 15q15.2.
Variant type: single nucleotide variant.
Coding change: c.1188T>A on transcript NM_174916.3 (MANE Select); coding-DNA position 1188, T replaced by A.
Protein change: p.Tyr396Ter; replaces tyrosine 396 with a stop codon.
Molecular consequence: nonsense.
Genome position (GRCh38, 1-based): chr15:43,056,437, A>T on the plus strand (T>A on the coding strand, the complement: UBR1 is on the minus strand). VCF-style: chr15-43056437-A-T. GRCh37 (hg19) VCF-style: chr15-43348635-A-T.
Other names: short protein forms Y396*.
Identifiers: ClinVar variation 2701050 (VCV002701050.3), dbSNP rs2543007689, ClinGen allele CA392074178.
Genomic context (GRCh38, chr15:43,056,437, plus strand): 5'-TGCAGTTATAGAGATACTTCTGTCATGATCATCACTGATATATTCTTTCTGCAGTTGTTT[A>T]TAATACTGAAATATATAAGTAGAGAATCAATTATAAATCACTACTAAAGACCTTTAAAAA-3'

ClinVar aggregate classification (germline): Pathogenic (1 of 4 stars; one submission).

Submission:

Labcorp Genetics (formerly Invitae), Labcorp
Classification: Pathogenic. Last evaluated: 2023-12-10. Review status: criteria provided, single submitter. Criteria: Invitae Variant Classification Sherloc (09022015). Collection method: clinical testing. Allele origin: germline.
Comment: This sequence change creates a premature translational stop signal (p.Tyr396*) in the UBR1 gene. It is expected to result in an absent or disrupted protein product. Loss-of-function variants in UBR1 are known to be pathogenic (PMID: 24599544). This variant is not present in population databases (gnomAD no frequency). This premature translational stop signal has been observed in individual(s) with clinical features of Johanson-Blizzard syndrome (PMID: 31980351). For these reasons, this variant has been classified as Pathogenic.

Literature cited by the submitters: PubMed 24599544; PubMed 31980351.